The following is an entry in ClinVar:

NM_005477.3(HCN4):c.23T>G (p.Met8Arg)

Gene: HCN4 (hyperpolarization activated cyclic nucleotide gated potassium channel 4; minus strand). Cytogenetic location: 15q24.1.
Variant type: single nucleotide variant.
Coding change: c.23T>G on transcript NM_005477.3 (MANE Select); coding-DNA position 23, T replaced by G.
Protein change: p.Met8Arg; replaces methionine 8 with arginine.
Molecular consequence: missense variant.
Genome position (GRCh38, 1-based): chr15:73,368,248, A>C on the plus strand (T>G on the coding strand, the complement: HCN4 is on the minus strand). VCF-style: chr15-73368248-A-C. GRCh37 (hg19) VCF-style: chr15-73660589-A-C.
Other names: c.23T>G (NM_005477.2); short protein forms M8R.
Identifiers: ClinVar variation 1411265 (VCV001411265.7), dbSNP rs749801134, ClinGen allele CA7649510.

ClinVar aggregate classification (germline): Uncertain significance. Review status: criteria provided, multiple submitters, no conflicts (2 of 4 stars). 2 submissions from 2 submitters: Uncertain significance (2). Last evaluated 2024-08-26.

Conditions:
Cardiovascular phenotype. Identifiers: MedGen CN230736.
Brugada syndrome 8 (BRGDA8). Identifiers: Orphanet 130, MedGen C2751083, MONDO:0013148, OMIM 613123.

Submissions (2):

Labcorp Genetics (formerly Invitae), Labcorp
Classification: Uncertain significance for Brugada syndrome 8. Last evaluated: 2024-08-26. Review status: criteria provided, single submitter. Criteria: Invitae Variant Classification Sherloc (09022015). Collection method: clinical testing. Allele origin: germline.
Comment: This sequence change replaces methionine, which is neutral and non-polar, with arginine, which is basic and polar, at codon 8 of the HCN4 protein (p.Met8Arg). This variant is present in population databases (rs749801134, gnomAD 0.005%). This variant has not been reported in the literature in individuals affected with HCN4-related conditions. ClinVar contains an entry for this variant (Variation ID: 1411265). Invitae Evidence Modeling of protein sequence and biophysical properties (such as structural, functional, and spatial information, amino acid conservation, physicochemical variation, residue mobility, and thermodynamic stability) indicates that this missense variant is not expected to disrupt HCN4 protein function with a negative predictive value of 95%. In summary, the available evidence is currently insufficient to determine the role of this variant in disease. Therefore, it has been classified as a Variant of Uncertain Significance.

Ambry Genetics
Classification: Uncertain significance for Cardiovascular phenotype. Last evaluated: 2023-08-29. Review status: criteria provided, single submitter. Criteria: Ambry Variant Classification Scheme 2023. Collection method: clinical testing. Allele origin: germline.
Comment: The p.M8R variant (also known as c.23T>G), located in coding exon 1 of the HCN4 gene, results from a T to G substitution at nucleotide position 23. The methionine at codon 8 is replaced by arginine, an amino acid with similar properties. This amino acid position is conserved. In addition, the in silico prediction for this alteration is inconclusive. Since supporting evidence is limited at this time, the clinical significance of this alteration remains unclear.